The following is an entry in ClinVar:

NM_001142864.4(PIEZO1):c.6733C>T (p.Arg2245Trp)

Gene: PIEZO1 (piezo type mechanosensitive ion channel component 1 (Er blood group); minus strand). Cytogenetic location: 16q24.3.
Variant type: single nucleotide variant.
Coding change: c.6733C>T on transcript NM_001142864.4 (MANE Select); coding-DNA position 6733, C replaced by T.
Protein change: p.Arg2245Trp; replaces arginine 2245 with tryptophan.
Molecular consequence: missense variant.
Genome position (GRCh38, 1-based): chr16:88,716,826, G>A on the plus strand (C>T on the coding strand, the complement: PIEZO1 is on the minus strand). VCF-style: chr16-88716826-G-A. GRCh37 (hg19) VCF-style: chr16-88783234-G-A.
Other names: p.Arg2245Trp; short protein forms R2245W.
Identifiers: ClinVar variation 1304130 (VCV001304130.5), dbSNP rs768394027, ClinGen allele CA8231507.
Genomic context (GRCh38, chr16:88,716,826, plus strand): 5'-GCCTCCCCACACCAGCTTTCACAGGGCAGAGGCCACTTACCGGCTGGGGGTCAAACTGCC[G>A]GGACAGCTCCTCATAGGCCTGGGCCGTGAAGGGGATGATGGACGGCTGCTGGGCGCTCAT-3'
Protein context (NP_001136336.2, residues 2235-2255): FTAQAYEELS[Arg2245Trp]QFDPQPLAMQ

ClinVar aggregate classification (germline): Uncertain significance. Review status: criteria provided, multiple submitters, no conflicts (2 of 4 stars). 4 submissions from 4 submitters: Uncertain significance (4). Last evaluated 2025-03-04.

Conditions:
Inborn genetic diseases. Identifiers: MedGen C0950123, MeSH D030342.

Allele frequency attached by ClinVar (database versions not stated): ExAC 0.00010; gnomAD 0.00001; TOPMed 0.00001.
gnomAD v4.1: 23 of 1,549,944 alleles (0.0015%); highest among the groups gnomAD compares: South Asian, 0.0083%; no homozygotes.

Submissions (4):

Mayo Clinic Laboratories, Mayo Clinic
Classification: Uncertain significance. Last evaluated: 2025-03-04. Review status: criteria provided, single submitter. Criteria: ACMG Guidelines, 2015. Collection method: clinical testing. Allele origin: germline. Observed: 1 variant allele.
Comment: BP4

Ambry Genetics
Classification: Uncertain significance for Inborn genetic diseases. Last evaluated: 2024-04-06. Review status: criteria provided, single submitter. Criteria: Ambry Variant Classification Scheme 2023. Collection method: clinical testing. Allele origin: germline.

Revvity Omics, Revvity
Classification: Uncertain significance. Last evaluated: 2023-09-05. Review status: criteria provided, single submitter. Criteria: ACMG Guidelines, 2015. Collection method: clinical testing. Allele origin: germline.

GeneDx
Classification: Uncertain significance. Last evaluated: 2020-07-08. Review status: criteria provided, single submitter. Criteria: GeneDx Variant Classification Process June 2021. Collection method: clinical testing. Allele origin: germline. Affected: yes.
Comment: In silico analysis supports that this missense variant has a deleterious effect on protein structure/function; Has not been previously published as pathogenic or benign to our knowledge